The following is an entry in ClinVar:

NM_002474.3(MYH11):c.3824G>T (p.Arg1275Leu)

Gene: MYH11 (myosin heavy chain 11; minus strand). Cytogenetic location: 16p13.11.
Variant type: single nucleotide variant.
Coding change: c.3824G>T on transcript NM_002474.3 (MANE Select); coding-DNA position 3824, G replaced by T.
Protein change: p.Arg1275Leu; replaces arginine 1275 with leucine.
Molecular consequence: missense variant.
Genome position (GRCh38, 1-based): chr16:15,726,882, C>A on the plus strand (G>T on the coding strand, the complement: MYH11 is on the minus strand). VCF-style: chr16-15726882-C-A. GRCh37 (hg19) VCF-style: chr16-15820739-C-A.
Other names: c.3845G>T, p.Arg1282Leu (NM_001040113.2, NM_001040114.2); c.3824G>T, p.Arg1275Leu (NM_022844.3); short protein forms R1275L, R1282L.
Identifiers: ClinVar variation 14134 (VCV000014134.9), dbSNP rs267606901, ClinGen allele CA257130.

ClinVar aggregate classification (germline): Uncertain significance. Review status: criteria provided, multiple submitters, no conflicts (2 of 4 stars). 3 submissions from 3 submitters: Uncertain significance (3). Last evaluated 2024-09-16.

Conditions:
Familial thoracic aortic aneurysm and aortic dissection (TAAD). Also called: Thoracic aortic aneurysms and dissections. Identifiers: Orphanet 91387, MedGen C4707243, MONDO:0019625.
Aortic aneurysm, familial thoracic 4 (AAT4). Also called: AORTIC ANEURYSM/AORTIC DISSECTION AND PATENT DUCTUS ARTERIOSUS. Identifiers: MedGen C1851504, MONDO:0007568, OMIM 132900.

Allele frequency attached by ClinVar (database versions not stated): gnomAD 0.00003.
gnomAD v4.1: 2 of 1,612,128 alleles (0.00012%); highest among the groups gnomAD compares: African/African-American, 0.0027%; no homozygotes.

Submissions (3):

Ambry Genetics
Classification: Uncertain significance for Familial thoracic aortic aneurysm and aortic dissection. Last evaluated: 2024-09-16. Review status: criteria provided, single submitter. Criteria: Ambry Variant Classification Scheme 2023. Collection method: clinical testing. Allele origin: germline.
Comment: The p.R1275L variant (also known as c.3824G>T), located in coding exon 27 of the MYH11 gene, results from a G to T substitution at nucleotide position 3824. The arginine at codon 1275 is replaced by leucine, an amino acid with dissimilar properties. This variant has segregated with disease in a family with thoracic aortic aneurysm and dissection (TAAD) and patent ductus arteriosus (PDA) and was suggested to be in linkage disequilibrium with a second MYH11 missense variant, both located in the coiled-coil domain. The other MYH11 variant was predicted to introduce a helix breaking residue (proline), disrupting the coiled-coil formation; whereas, p.R1275L did not impact coiled-coil formation (Pannu H et al. Hum Mol Genet. 2007;16(20):2453-2462). This amino acid position is well conserved in available vertebrate species. In addition, this alteration is predicted to be tolerated by in silico analysis. Based on the available evidence, the clinical significance of this variant remains unclear.

Color Diagnostics, LLC DBA Color Health
Classification: Uncertain significance for Familial thoracic aortic aneurysm and aortic dissection. Last evaluated: 2024-01-24. Review status: criteria provided, single submitter. Criteria: ACMG Guidelines, 2015. Collection method: clinical testing. Allele origin: germline.
Comment: This missense variant replaces arginine with leucine at codon 1282 of the MYH11 protein. Computational prediction tool indicates that this variant may have a neutral impact on protein structure and function. To our knowledge, functional studies have not been reported for this variant. This variant has been reported in individuals affected with thoracic aortic aneurysm and dissection (PMID: 17666408). This variant has been identified in 1/31310 chromosomes in the general population by the Genome Aggregation Database (gnomAD). The available evidence is insufficient to determine the role of this variant in disease conclusively. Therefore, this variant is classified as a Variant of Uncertain Significance.

Labcorp Genetics (formerly Invitae), Labcorp
Classification: Uncertain significance for Aortic aneurysm, familial thoracic 4. Last evaluated: 2023-10-19. Review status: criteria provided, single submitter. Criteria: Invitae Variant Classification Sherloc (09022015). Collection method: clinical testing. Allele origin: germline.
Comment: This sequence change replaces arginine, which is basic and polar, with leucine, which is neutral and non-polar, at codon 1282 of the MYH11 protein (p.Arg1282Leu). This variant is present in population databases (rs267606901, gnomAD 0.01%). This missense change has been observed in individual(s) with thoracic aortic aneurysm and dissection (PMID: 17666408). This variant is also known as c.3824G>T, R1275L. ClinVar contains an entry for this variant (Variation ID: 14134). Advanced modeling of protein sequence and biophysical properties (such as structural, functional, and spatial information, amino acid conservation, physicochemical variation, residue mobility, and thermodynamic stability) performed at Invitae indicates that this missense variant is not expected to disrupt MYH11 protein function. In summary, the available evidence is currently insufficient to determine the role of this variant in disease. Therefore, it has been classified as a Variant of Uncertain Significance.

Literature cited by the submitters: PubMed 38773466 (cited by Ambry Genetics); PubMed 17666408 (cited by Color Diagnostics, LLC DBA Color Health and Labcorp Genetics (formerly Invitae), Labcorp).